The following is an entry in ClinVar:

NM_147127.5(EVC2):c.1006-109del

Gene: EVC2 (EvC ciliary complex subunit 2; minus strand). Cytogenetic location: 4p16.2.
Variant type: Deletion.
Coding change: c.1006-109del on transcript NM_147127.5 (MANE Select); 109 bases into the intron before coding-DNA position 1006, one base deleted (C; older notation c.1006-109delC).
Molecular consequence: intron variant.
Genome position (GRCh38, 1-based): chr4:5,663,355, G deleted on the plus strand (C on the coding strand, the reverse complement: EVC2 is on the minus strand). VCF-style (leftmost placement, unchanged base first): chr4-5663354-AG-A. GRCh37 (hg19) VCF-style: chr4-5665081-AG-A.
Other names: c.766-109del (NM_001166136.2).
Identifiers: ClinVar variation 675216 (VCV000675216.1), dbSNP rs113939285, ClinGen allele CA91704104.

ClinVar aggregate classification (germline): Benign (1 of 4 stars; one submission).

Allele frequency attached by ClinVar (database versions not stated): 1000 Genomes Project 0.09704; 1000 Genomes Project 30x 0.09728; gnomAD exomes 0.11059; TOPMed 0.11138; gnomAD 0.11363 and 0.11697.

Submission:

GeneDx
Classification: Benign. Last evaluated: 2018-06-19. Review status: criteria provided, single submitter. Criteria: GeneDx Variant Classification (06012015). Collection method: clinical testing. Allele origin: germline. Affected: yes.
Comment: This variant is considered likely benign or benign based on one or more of the following criteria: it is a conservative change, it occurs at a poorly conserved position in the protein, it is predicted to be benign by multiple in silico algorithms, and/or has population frequency not consistent with disease.